The following is an entry in ClinVar:

ClinVar aggregate classification (germline): Pathogenic. Review status: criteria provided, multiple submitters, no conflicts (2 of 4 stars). 6 submissions from 6 submitters: Pathogenic (6). Last evaluated 2025-10-15.

Conditions:
Neonatal intrahepatic cholestasis due to citrin deficiency (CDNI). Also called: Neonatal-onset citrullinemia type II; Neonatal-onset citrullinemia type 2; CITRIN DEFICIENCY, NEONATAL OR INFANTILE ONSET; Neonatal Intrahepatic Cholestasis Caused by Citrin Deficiency (NICCD). Identifiers: Orphanet 247598, MedGen C1853942, MONDO:0011601, OMIM 605814.
Citrullinemia, type II, adult-onset (CDAA). Also called: CITRIN DEFICIENCY, ADOLESCENT OR ADULT ONSET. Identifiers: Orphanet 247585, MedGen CN295299, MONDO:0011326, OMIM 603471.
Citrullinemia. Identifiers: Orphanet 187, MedGen C0175683, MONDO:0015991.
Citrin deficiency. Identifiers: Orphanet 247582, MedGen C1997910, MONDO:0016602.
Citrullinemia type II. Also called: Citrullinemia Type II (CTLN2). Identifiers: Orphanet 247585, MedGen C1863844, MONDO:0016603.

Submissions (6):

Natera, Inc.
Classification: Pathogenic for Citrullinemia. Last evaluated: 2025-10-15. Review status: criteria provided, single submitter. Criteria: Natera Variant Classification Schema (03/2026). Collection method: clinical testing. Allele origin: germline.
Comment: The c.1095delT variant in SLC25A13 is a frameshift variant predicted to shift the reading frame beginning at codon 365 and leads to a stop codon 43 codons downstream. This variant is expected to result in nonsense mediated decay, truncation, or a dysfunctional protein product. This variant is rare in the general population with a frequency below the threshold expected for the associated phenotype(s). This variant has been observed in one or more individuals affected with the associated recessive disease, as either homozygous or compound heterozygous with a second variant (PMID: 24069319). Given the available evidence, this variant is classified as Pathogenic.

Genesolutions, Medical Genetics Institutes, Ho Chi Minh City, Vietnam
Classification: Pathogenic for Neonatal intrahepatic cholestasis due to citrin deficiency. Last evaluated: 2025-09-24. Review status: criteria provided, single submitter. Criteria: ACMG Guidelines, 2015. Collection method: clinical testing. Allele origin: germline. Affected: yes.

GeneDx
Classification: Pathogenic. Last evaluated: 2025-01-30. Review status: criteria provided, single submitter. Criteria: GeneDx Variant Classification Process June 2021. Collection method: clinical testing. Allele origin: germline. Affected: yes.
Comment: Frameshift variant predicted to result in protein truncation or nonsense mediated decay in a gene for which loss of function is a known mechanism of disease; Not observed at significant frequency in large population cohorts (gnomAD); This variant is associated with the following publications: (PMID: 20927635, 34704407, 27405544, 35798653, 37314652)

Labcorp Genetics (formerly Invitae), Labcorp
Classification: Pathogenic for Citrin deficiency. Last evaluated: 2023-09-21. Review status: criteria provided, single submitter. Criteria: Invitae Variant Classification Sherloc (09022015). Collection method: clinical testing. Allele origin: germline.
Comment: For these reasons, this variant has been classified as Pathogenic. ClinVar contains an entry for this variant (Variation ID: 1451917). This variant is also known as 1092_1095delT. This premature translational stop signal has been observed in individual(s) with pediatric cholestasis (PMID: 20927635, 27405544, 27706244). This variant is not present in population databases (gnomAD no frequency). This sequence change creates a premature translational stop signal (p.Phe365Leufs*43) in the SLC25A13 gene. It is expected to result in an absent or disrupted protein product. Loss-of-function variants in SLC25A13 are known to be pathogenic (PMID: 10369257, 14680984, 27405544).

Women's Health and Genetics/Laboratory Corporation of America, LabCorp
Classification: Pathogenic for Citrullinemia type II. Last evaluated: 2023-08-18. Review status: criteria provided, single submitter. Criteria: LabCorp Variant Classification Summary - May 2015. Collection method: clinical testing. Allele origin: germline.
Comment: Variant summary: SLC25A13 c.1095delT (p.Phe365LeufsX43) results in a premature termination codon, predicted to cause a truncation of the encoded protein or absence of the protein due to nonsense mediated decay, which are commonly known mechanisms for disease. The variant was absent in 251394 control chromosomes. c.1095delT has been reported in the literature in individuals affected with Citrullinemia Type II (e.g., Chen_2022). To our knowledge, no experimental evidence demonstrating an impact on protein function has been reported. The following publication has been ascertained in the context of this evaluation (PMID: 35798653). One submitter has cited clinical-significance assessments for this variant to ClinVar after 2014 and has classified the variant as pathogenic. Based on the evidence outlined above, the variant was classified as pathogenic.

Baylor Genetics
Classification: Pathogenic for Citrullinemia, type II, adult-onset. Last evaluated: 2022-05-25. Review status: criteria provided, single submitter. Criteria: ACMG Guidelines, 2015. Collection method: clinical testing. Allele origin: unknown.

Literature cited by the submitters: PubMed 24069319 (cited by Natera, Inc.); PubMed 20927635 (cited by Labcorp Genetics (formerly Invitae), Labcorp); PubMed 27405544 (cited by Labcorp Genetics (formerly Invitae), Labcorp); PubMed 27706244 (cited by Labcorp Genetics (formerly Invitae), Labcorp); PubMed 10369257 (cited by Labcorp Genetics (formerly Invitae), Labcorp); PubMed 14680984 (cited by Labcorp Genetics (formerly Invitae), Labcorp); PubMed 35798653 (cited by Women's Health and Genetics/Laboratory Corporation of America, LabCorp).

NM_014251.3(SLC25A13):c.1095del (p.Phe365fs)

Gene: SLC25A13 (solute carrier family 25 member 13; minus strand). Cytogenetic location: 7q21.3.
Variant type: Deletion.
Coding change: c.1095del on transcript NM_014251.3 (MANE Select); coding-DNA position 1095, one base deleted (T; older notation c.1095delT).
Protein change: p.Phe365fs; shifts the reading frame from phenylalanine 365.
Molecular consequence: frameshift variant. On other transcripts: non-coding transcript variant (1).
Genome position (GRCh38, 1-based): chr7:96,184,359, A deleted on the plus strand (T on the coding strand, the reverse complement: SLC25A13 is on the minus strand); the first of 4 consecutive A bases (chr7:96,184,359-96,184,362); deleting any one gives the same sequence. VCF-style (leftmost placement, unchanged base first): chr7-96184358-CA-C. GRCh37 (hg19) VCF-style: chr7-95813670-CA-C.
Other names: c.1098del, p.Phe366fs (NM_001160210.2); c.1095delT (NM_014251.2); c.1095del (NM_014251.2); short protein forms F365fs, F366fs.
Identifiers: ClinVar variation 1451917 (VCV001451917.11), dbSNP rs1794540164, ClinGen allele CA1727575090.